The following is an entry in ClinVar:

NM_000548.5(TSC2):c.418C>T (p.Leu140=)

Gene: TSC2 (TSC complex subunit 2; plus strand). Cytogenetic location: 16p13.3.
Variant type: single nucleotide variant.
Coding change: c.418C>T on transcript NM_000548.5 (MANE Select); coding-DNA position 418, C replaced by T.
Protein change: p.Leu140=; no amino-acid change (leucine 140 retained).
Molecular consequence: synonymous variant. On other transcripts: intron variant (1).
Genome position (GRCh38, 1-based): chr16:2,054,377, C>T. VCF-style: chr16-2054377-C-T. GRCh37 (hg19) VCF-style: chr16-2104378-C-T.
Other names: c.418C>T, p.Leu140= (NM_001077183.3, NM_001114382.3, NM_001363528.2 and 3 more transcripts); c.307C>T, p.Leu103= (NM_001318827.2); c.271C>T, p.Leu91= (NM_001318829.2); c.451C>T, p.Leu151= (NM_001318832.2); c.-1-1819C>T (NM_001318831.2).
Identifiers: ClinVar variation 480842 (VCV000480842.19), dbSNP rs1555497657, ClinGen allele CA492955495.
Genomic context (GRCh38, chr16:2,054,377, plus strand): 5'-AGAGCCCTCTTCTTTAAGGTCATCAAGGATTACCCTTCCAACGAAGACCTTCACGAAAGG[C>T]TGGAGGTTTTCAAGGCCCTCACAGACAATGGGAGACACATCACCTACTTGGAGGAAGAGC-3'
Protein context (NP_000539.2, residues 130-150): YPSNEDLHER[Leu140=]EVFKALTDNG

ClinVar aggregate classification (germline): Benign/Likely benign. Review status: criteria provided, multiple submitters, no conflicts (2 of 4 stars). 4 submissions from 4 submitters: Benign (1); Likely benign (3). Last evaluated 2025-11-03.

Conditions:
Hereditary cancer-predisposing syndrome. Also called: Hereditary neoplastic syndrome; Neoplastic Syndromes, Hereditary; Tumor predisposition; Hereditary Cancer Syndrome. Identifiers: Orphanet 140162, MedGen C0027672, MeSH D009386, MONDO:0015356.
Tuberous sclerosis 2 (TSC2). Identifiers: Orphanet 805, MedGen C1860707, MONDO:0013199, OMIM 613254.

Allele frequency attached by ClinVar (database versions not stated): gnomAD exomes below 0.00001.

Submissions (4):

Labcorp Genetics (formerly Invitae), Labcorp
Classification: Likely benign for Tuberous sclerosis 2. Last evaluated: 2025-11-03. Review status: criteria provided, single submitter. Criteria: Invitae Variant Classification Sherloc (09022015). Collection method: clinical testing. Allele origin: germline.

Myriad Genetics, Inc.
Classification: Benign for Tuberous sclerosis 2. Last evaluated: 2025-05-05. Review status: criteria provided, single submitter. Criteria: Myriad Autosomal Dominant, Autosomal Recessive and X-Linked Classification Criteria (2023). Collection method: clinical testing. Allele origin: unknown.
Comment: This variant is considered benign. This variant is a silent/synonymous amino acid change and it is not expected to impact splicing.

Genome-Nilou Lab
Classification: Likely benign for Tuberous sclerosis 2. Last evaluated: 2021-11-07. Review status: criteria provided, single submitter. Criteria: ACMG Guidelines, 2015. Collection method: clinical testing. Allele origin: germline. Affected: no.

Ambry Genetics
Classification: Likely benign for Hereditary cancer-predisposing syndrome. Last evaluated: 2016-10-04. Review status: criteria provided, single submitter. Criteria: Ambry Variant Classification Scheme 2023. Collection method: clinical testing. Allele origin: germline.